The following is an entry in ClinVar:

ClinVar aggregate classification (germline): Conflicting classifications of pathogenicity. Review status: criteria provided, conflicting classifications (1 of 4 stars). 4 submissions from 4 submitters: Pathogenic (1); Likely pathogenic (2); Uncertain significance (1). Last evaluated 2024-06-12.

Conditions:
Hereditary cancer-predisposing syndrome. Also called: Tumor predisposition; Neoplastic Syndromes, Hereditary; Hereditary Cancer Syndrome; Hereditary neoplastic syndrome. Identifiers: Orphanet 140162, MedGen C0027672, MeSH D009386, MONDO:0015356.
Familial cancer of breast. Also called: BREAST CANCER, FAMILIAL; Hereditary breast cancer; hereditary breast carcinoma. Identifiers: Orphanet 227535, MedGen C0346153, MONDO:0016419, OMIM 114480. Disease mechanism: loss of function.
Ataxia-telangiectasia syndrome (AT). Also called: Ataxia-telangiectasia; LOUIS-BAR SYNDROME; Ataxia-telangiectasia, complementation group D; AT, COMPLEMENTATION GROUP C; ATAXIA-TELANGIECTASIA, COMPLEMENTATION GROUP A; ATAXIA-TELANGIECTASIA, FRESNO VARIANT. Identifiers: Orphanet 100, MedGen C0004135, MONDO:0008840, OMIM 208900.

Submissions (4):

Ambry Genetics
Classification: Uncertain significance for Hereditary cancer-predisposing syndrome. Last evaluated: 2024-06-12. Review status: criteria provided, single submitter. Criteria: Ambry Variant Classification Scheme 2023. Collection method: clinical testing. Allele origin: germline.
Comment: The c.9073dupG variant, located in coding exon 62 of the ATM gene, results from a duplication of G at nucleotide position 9073, causing a translational frameshift with a predicted alternate stop codon (p.V3025Gfs*38). This alteration occurs at the 3' terminus of theATM gene, is not expected to trigger nonsense-mediated mRNAdecay, and only impacts the last 32 amino acids of the protein, and results in the elongation of the protein by 5 amino acids. The exact functional effect of this alteration is unknown. Based on the available evidence, the clinical significance of this variant remains unclear.

Baylor Genetics
Classification: Likely pathogenic for Familial cancer of breast. Last evaluated: 2024-03-08. Review status: criteria provided, single submitter. Criteria: ACMG Guidelines, 2015. Collection method: clinical testing. Allele origin: unknown.

Myriad Genetics, Inc.
Classification: Likely pathogenic for Familial cancer of breast. Last evaluated: 2024-02-06. Review status: criteria provided, single submitter. Criteria: Myriad Autosomal Dominant, Autosomal Recessive and X-Linked Classification Criteria (2023). Collection method: clinical testing. Allele origin: unknown.
Comment: This variant is considered likely pathogenic. This variant creates a frameshift predicted to result in the incorporation of abnormal amino acid sequence into the protein product and abnormal protein elongation. This variant has been reported in multiple individuals with clinical features of gene-specific disease [PMID: 16266405, 25614872, 15039971, 21965147].

Labcorp Genetics (formerly Invitae), Labcorp
Classification: Pathogenic for Ataxia-telangiectasia syndrome. Last evaluated: 2023-12-01. Review status: criteria provided, single submitter. Criteria: Invitae Variant Classification Sherloc (09022015). Collection method: clinical testing. Allele origin: germline.
Comment: This sequence change results in a frameshift in the ATM gene (p.Val3025Glyfs*38). While this is not anticipated to result in nonsense mediated decay, it is expected to disrupt the last 32 amino acid(s) of the ATM protein and extend the protein by 5 additional amino acid residues. This variant is not present in population databases (gnomAD no frequency). This variant has not been reported in the literature in individuals affected with ATM-related conditions. ClinVar contains an entry for this variant (Variation ID: 1451607). This variant results in an extension of the ATM protein. Other variant(s) that result in a similarly extended protein product (p.Phe3049Profs*13) have been determined to be pathogenic (PMID: 10817650, 16603769, 19781682). This suggests that these extensions are likely to be disease-causing. For these reasons, this variant has been classified as Pathogenic.

Literature cited by the submitters: PubMed 16266405 (cited by Myriad Genetics, Inc.); PubMed 25614872 (cited by Myriad Genetics, Inc.); PubMed 15039971 (cited by Myriad Genetics, Inc.); PubMed 21965147 (cited by Myriad Genetics, Inc.); PubMed 10817650 (cited by Labcorp Genetics (formerly Invitae), Labcorp); PubMed 16603769 (cited by Labcorp Genetics (formerly Invitae), Labcorp); PubMed 19781682 (cited by Labcorp Genetics (formerly Invitae), Labcorp).

NM_000051.4(ATM):c.9073dup (p.Val3025fs)

Genes: ATM (ATM serine/threonine kinase; plus strand), C11orf65 (chromosome 11 open reading frame 65; minus strand). Cytogenetic location: 11q22.3.
Variant type: Duplication.
Coding change: c.9073dup on transcript NM_000051.4 (MANE Select); coding-DNA position 9073, one base duplicated (G; older notation c.9073dupG).
Protein change: p.Val3025fs; shifts the reading frame from valine 3025.
Molecular consequence: frameshift variant. On other transcripts: intron variant (2).
Genome position (GRCh38, 1-based): chr11:108,365,410, G duplicated. VCF-style (leftmost placement, unchanged base first): chr11-108365409-T-TG. GRCh37 (hg19) VCF-style: chr11-108236136-T-TG.
Other names: c.9073dupG (NM_000051.3); c.9073dup, p.Val3025fs (NM_001351834.2); c.640+20510dup (NM_001330368.2); c.694+20510dup (NM_001351110.2); short protein forms V3025fs.
Identifiers: ClinVar variation 1451607 (VCV001451607.12), dbSNP rs2137916728, ClinGen allele CA2573146532.
Genomic context (GRCh38, chr11:108,365,409, plus strand): 5'-AGTAGCTGAACGTGTCTTAATGAGACTACAAGAGAAACTGAAAGGAGTGGAAGAAGGCAC[T>TG]GTGCTCAGTGTTGGTGGACAAGTGAATTTGCTCATACAGCAGGCCATAGACCCCAAAAAT-3'